The following is an entry in ClinVar:

ClinVar aggregate classification (germline): Conflicting classifications of pathogenicity. Review status: criteria provided, conflicting classifications (1 of 4 stars). 7 submissions from 7 submitters: Likely pathogenic (1); Uncertain significance (5). 1 of the submissions does not count toward it. Last evaluated 2026-04-02.

Conditions:
MYO7A-related disorder. Also called: MYO7A-related disorders.
Inborn genetic diseases. Identifiers: MedGen C0950123, MeSH D030342.
Autosomal recessive nonsyndromic hearing loss 2. Also called: NEUROSENSORY NONSYNDROMIC RECESSIVE DEAFNESS 2; DEAFNESS, AUTOSOMAL RECESSIVE 2. Identifiers: Orphanet 90636, MedGen C1838701, MONDO:0010807, OMIM 600060.

Allele frequency attached by ClinVar (database versions not stated): gnomAD 0.00001; ExAC 0.00005; TOPMed 0.00005.
gnomAD v4.1: 31 of 1,551,472 alleles (0.002%); highest among the groups gnomAD compares: Non-Finnish European, 0.0025%; no homozygotes.

Submissions (7):

GeneDx
Classification: Uncertain significance. Last evaluated: 2026-04-02. Review status: criteria provided, single submitter. Criteria: GeneDx Variant Classification Process June 2021. Collection method: clinical testing. Allele origin: germline.
Comment: Identified in a patient with bilateral sensorineural hearing loss in published literature (PMID: 36633841); In silico analysis supports that this missense variant has a deleterious effect on protein structure/function; This variant is associated with the following publications: (PMID: 36633841)

Ambry Genetics
Classification: Uncertain significance for Inborn genetic diseases. Last evaluated: 2025-01-17. Review status: criteria provided, single submitter. Criteria: Ambry Variant Classification Scheme 2023. Collection method: clinical testing. Allele origin: germline.

Labcorp Genetics (formerly Invitae), Labcorp
Classification: Uncertain significance. Last evaluated: 2024-12-06. Review status: criteria provided, single submitter. Criteria: Invitae Variant Classification Sherloc (09022015). Collection method: clinical testing. Allele origin: germline.
Comment: This sequence change replaces lysine, which is basic and polar, with asparagine, which is neutral and polar, at codon 515 of the MYO7A protein (p.Lys515Asn). This variant is present in population databases (rs782313585, gnomAD 0.005%). This missense change has been observed in individual(s) with deafness (PMID: 36633841; internal data). In at least one individual the data is consistent with being in trans (on the opposite chromosome) from a pathogenic variant. ClinVar contains an entry for this variant (Variation ID: 1675469). Invitae Evidence Modeling of protein sequence and biophysical properties (such as structural, functional, and spatial information, amino acid conservation, physicochemical variation, residue mobility, and thermodynamic stability) indicates that this missense variant is not expected to disrupt MYO7A protein function with a negative predictive value of 95%. In summary, the available evidence is currently insufficient to determine the role of this variant in disease. Therefore, it has been classified as a Variant of Uncertain Significance.

Blueprint Genetics
Classification: Uncertain significance. Last evaluated: 2024-04-30. Review status: criteria provided, single submitter. Criteria: ACMG Guidelines, 2015. Collection method: clinical testing. Allele origin: germline.

King Laboratory, University of Washington
Classification: Likely pathogenic for Autosomal recessive nonsyndromic hearing loss 2. Last evaluated: 2023-02-28. Review status: criteria provided, single submitter. Criteria: Li et al. (Genet Med. 2022). Collection method: research. Allele origin: unknown. Affected: yes.
Comment: This variant is a missense at a highly conserved site in the motor domain of the MYO7A protein and is predicted to be damaging by multiple in-silico tools. As of January 2023, this variant has been reported to ClinVar as a variant of unknown significance and is found in 3 heterozygotes on gnomAD. Based on compound heterozygosity with a loss-of-function variant, consistently predicted functional effect, and goodness of fit of genotype to phenotype, we conclude that this variant is likely pathogenic.

CeGaT Center for Human Genetics Tuebingen
Classification: Uncertain significance. Last evaluated: 2022-04-01. Review status: criteria provided, single submitter. Criteria: CeGaT Center For Human Genetics Tuebingen Variant Classification Criteria Version 2. Collection method: clinical testing. Allele origin: germline. Affected: yes. Observed: 2 variant alleles.

PreventionGenetics, part of Exact Sciences
Classification: Uncertain significance for MYO7A-related condition. Last evaluated: 2024-09-01. Review status: no assertion criteria provided. Collection method: clinical testing. Allele origin: germline. Not counted in ClinVar's aggregate classification.
Comment: The MYO7A c.1545G>T variant is predicted to result in the amino acid substitution p.Lys515Asn. This variant was previously reported in a large cohort of individuals who presented with deafness; however, no additional evidence was provided to help assess pathogenicity (supplementary data, Carlson et al. 2023. PubMed ID: 36633841). This variant is reported in 0.0049% of alleles in individuals of European (Non-Finnish) descent in gnomAD. At this time, the clinical significance of this variant is uncertain due to the absence of conclusive functional and genetic evidence.

Literature cited by the submitters: PubMed 36633841 (cited by Labcorp Genetics (formerly Invitae), Labcorp and King Laboratory, University of Washington).

NM_000260.4(MYO7A):c.1545G>T (p.Lys515Asn)

Gene: MYO7A (myosin VIIA; plus strand). Cytogenetic location: 11q13.5.
Variant type: single nucleotide variant.
Coding change: c.1545G>T on transcript NM_000260.4 (MANE Select); coding-DNA position 1545, G replaced by T.
Protein change: p.Lys515Asn; replaces lysine 515 with asparagine.
Molecular consequence: missense variant.
Genome position (GRCh38, 1-based): chr11:77,162,321, G>T. VCF-style: chr11-77162321-G-T. GRCh37 (hg19) VCF-style: chr11-76873367-G-T.
Other names: c.1545G>T, p.Lys515Asn (NM_001127180.2); c.1512G>T, p.Lys504Asn (NM_001369365.1); c.1545G>T (NM_000260.3); short protein forms K504N, K515N.
Identifiers: ClinVar variation 1675469 (VCV001675469.42), dbSNP rs782313585, ClinGen allele CA6197506.
Genomic context (GRCh38, chr11:77,162,321, plus strand): 5'-CCTGGACATGATTGCCAACAAGCCCATGAACATCATCTCCCTCATCGATGAGGAGAGCAA[G>T]TTCCCCAAGGTGGGCCGGTCCTGCTGCCGCCTCCCAGGGTCTTGGGTGCGCACAGCTTCC-3'
Protein context (NP_000251.3, residues 505-525): NIISLIDEES[Lys515Asn]FPKGTDTTML